The following is an entry in ClinVar:

ClinVar aggregate classification (germline): Uncertain significance (1 of 4 stars; one submission).

Submission:

Greenwood Genetic Center Diagnostic Laboratories, Greenwood Genetic Center
Classification: Uncertain significance. Last evaluated: 2024-10-03. Review status: criteria provided, single submitter. Criteria: ACMG Guidelines, 2015. Collection method: clinical testing. Allele origin: germline. Affected: yes.
Comment: PM1, PM2, BP4, PP2

NM_001042603.3(KDM5A):c.4999C>G (p.Pro1667Ala)

Gene: KDM5A (lysine demethylase 5A; minus strand). Cytogenetic location: 12p13.33.
Variant type: single nucleotide variant.
Coding change: c.4999C>G on transcript NM_001042603.3 (MANE Select); coding-DNA position 4999, C replaced by G.
Protein change: p.Pro1667Ala; replaces proline 1667 with alanine.
Molecular consequence: missense variant.
Genome position (GRCh38, 1-based): chr12:285,530, G>C on the plus strand (C>G on the coding strand, the complement: KDM5A is on the minus strand). VCF-style: chr12-285530-G-C. GRCh37 (hg19) VCF-style: chr12-394696-G-C.
Other names: short protein forms P1667A.
Identifiers: ClinVar variation 3765686 (VCV003765686.1).